The following is an entry in ClinVar:

ClinVar aggregate classification (germline): Pathogenic/Likely pathogenic. Review status: criteria provided, multiple submitters, no conflicts (2 of 4 stars). 3 submissions from 3 submitters: Pathogenic (2); Likely pathogenic (1). Last evaluated 2024-12-11.

Conditions:
Hereditary cancer-predisposing syndrome. Also called: Neoplastic Syndromes, Hereditary; Tumor predisposition; Hereditary neoplastic syndrome; Hereditary Cancer Syndrome. Identifiers: Orphanet 140162, MedGen C0027672, MeSH D009386, MONDO:0015356.
Hereditary breast ovarian cancer syndrome. Also called: Hereditary breast and ovarian cancer syndrome; Hereditary breast and ovarian cancer; Hereditary breast and ovarian cancer syndrome (HBOC); Breast and ovarian cancer; Hereditary breast and/or ovarian cancer syndrome; BRCA1- and BRCA2-Associated Hereditary Breast and Ovarian Cancer. Identifiers: Orphanet 145, MedGen C0677776, MeSH D061325, MONDO:0003582. Disease mechanism: loss of function.

Submissions (3):

Ambry Genetics
Classification: Pathogenic for Hereditary cancer-predisposing syndrome. Last evaluated: 2024-12-11. Review status: criteria provided, single submitter. Criteria: Ambry Variant Classification Scheme 2023. Collection method: clinical testing. Allele origin: germline.
Comment: The c.4641delT pathogenic mutation, located in coding exon 10 of the BRCA2 gene, results from a deletion of one nucleotide at nucleotide position 4641, causing a translational frameshift with a predicted alternate stop codon (p.D1547Efs*21). This alteration is expected to result in loss of function by premature protein truncation or nonsense-mediated mRNA decay. As such, this alteration is interpreted as a disease-causing mutation.

Revvity Omics, Revvity
Classification: Likely pathogenic. Last evaluated: 2022-01-27. Review status: criteria provided, single submitter. Criteria: ACMG Guidelines, 2015. Collection method: clinical testing. Allele origin: germline.

Labcorp Genetics (formerly Invitae), Labcorp
Classification: Pathogenic for Hereditary breast ovarian cancer syndrome. Last evaluated: 2019-09-02. Review status: criteria provided, single submitter. Criteria: Invitae Variant Classification Sherloc (09022015). Collection method: clinical testing. Allele origin: germline.
Comment: This sequence change creates a premature translational stop signal (p.Asp1547Glufs*21) in the BRCA2 gene. It is expected to result in an absent or disrupted protein product. This variant is not present in population databases (ExAC no frequency). This variant has not been reported in the literature in individuals with BRCA2-related conditions. Loss-of-function variants in BRCA2 are known to be pathogenic (PMID: 20104584). For these reasons, this variant has been classified as Pathogenic.

Literature cited by the submitters: PubMed 20104584 (cited by Labcorp Genetics (formerly Invitae), Labcorp).

NM_000059.4(BRCA2):c.4641del (p.Asp1547fs)

Gene: BRCA2 (BRCA2 DNA repair associated; plus strand). Cytogenetic location: 13q13.1.
Variant type: Deletion.
Coding change: c.4641del on transcript NM_000059.4 (MANE Select); coding-DNA position 4641, one base deleted (T; older notation c.4641delT).
Protein change: p.Asp1547fs; shifts the reading frame from aspartic acid 1547.
Molecular consequence: frameshift variant.
Genome position (GRCh38, 1-based): chr13:32,338,996, T deleted. VCF-style (leftmost placement, unchanged base first): chr13-32338995-AT-A. GRCh37 (hg19) VCF-style: chr13-32913132-AT-A.
Other names: c.4641del (NM_000059.3); short protein forms D1547fs.
Identifiers: ClinVar variation 825065 (VCV000825065.15), dbSNP rs1593902988, ClinGen allele CA915948466.